The following is an entry in ClinVar:

NM_020699.4(GATAD2B):c.674T>A (p.Leu225His)

Gene: GATAD2B (GATA zinc finger domain containing 2B; minus strand). Cytogenetic location: 1q21.3.
Variant type: single nucleotide variant.
Coding change: c.674T>A on transcript NM_020699.4 (MANE Select); coding-DNA position 674, T replaced by A.
Protein change: p.Leu225His; replaces leucine 225 with histidine.
Molecular consequence: missense variant.
Genome position (GRCh38, 1-based): chr1:153,818,095, A>T on the plus strand (T>A on the coding strand, the complement: GATAD2B is on the minus strand). VCF-style: chr1-153818095-A-T. GRCh37 (hg19) VCF-style: chr1-153790571-A-T.
Other names: short protein forms L225H.
Identifiers: ClinVar variation 1376489 (VCV001376489.8), dbSNP rs776953440, ClinGen allele CA342531809.

ClinVar aggregate classification (germline): Uncertain significance (1 of 4 stars; one submission).

Submission:

Labcorp Genetics (formerly Invitae), Labcorp
Classification: Uncertain significance. Last evaluated: 2021-06-18. Review status: criteria provided, single submitter. Criteria: Invitae Variant Classification Sherloc (09022015). Collection method: clinical testing. Allele origin: germline.
Comment: In summary, the available evidence is currently insufficient to determine the role of this variant in disease. Therefore, it has been classified as a Variant of Uncertain Significance. Algorithms developed to predict the effect of missense changes on protein structure and function are either unavailable or do not agree on the potential impact of this missense change (SIFT: "Not Available"; PolyPhen-2: "Possibly Damaging"; Align-GVGD: "Not Available"). This variant has not been reported in the literature in individuals with GATAD2B-related conditions. This variant is not present in population databases (ExAC no frequency). This sequence change replaces leucine with histidine at codon 225 of the GATAD2B protein (p.Leu225His). The leucine residue is highly conserved and there is a moderate physicochemical difference between leucine and histidine.